The following is an entry in ClinVar:

NM_007294.4(BRCA1):c.3345AGT[1] (p.Val1117del)

Genes: BRCA1 (BRCA1 DNA repair associated; minus strand), LOC126862571 (BRD4-independent group 4 enhancer GRCh37_chr17:41243136-41244335; plus strand). Cytogenetic location: 17q21.31.
Variant type: Microsatellite.
Coding change: c.3345AGT[1] on transcript NM_007294.4 (MANE Select); one copy of the 3-base unit AGT starting at c.3345; the reference has two copies in a row; one copy, 3 bases deleted.
Protein change: p.Val1117del; deletes valine 1117.
Molecular consequence: inframe deletion. On other transcripts: inframe indel (1), intron variant (137).
Genome position (GRCh38, 1-based): chr17:43,092,181-43,092,183, ACT deleted on the plus strand (AGT on the coding strand, the reverse complement: BRCA1 is on the minus strand); deleting any 3 consecutive bases within chr17:43,092,181-43,092,186 gives the same sequence; the position shown is the placement nearest the transcript's 3' end. VCF-style (leftmost placement, unchanged base first): chr17-43092180-AACT-A. GRCh37 (hg19) VCF-style: chr17-41244197-AACT-A.
Other names: c.3132AGT[1], p.Val1046del (NM_001407899.1, NM_001407918.1, NM_001407915.1 and 9 more transcripts); c.3135AGT[1], p.Val1047del (NM_001407900.1, NM_001407902.1, NM_001407904.1 and 13 more transcripts); c.3264AGT[1], p.Val1090del (NM_001407662.1, NM_001407659.1, NM_001407660.1 and 1 more transcripts); c.3222AGT[1], p.Val1076del (NM_001407667.1, NM_001407664.1, NM_001407668.1 and 19 more transcripts); c.3267AGT[1], p.Val1091del (NM_001407663.1, NM_001407653.1, NM_001407654.1 and 4 more transcripts); c.3219AGT[1], p.Val1075del (NM_001407673.1, NM_001407670.1, NM_001407671.1 and 11 more transcripts); c.3348_3350delAGT (NM_007294.3); c.3345AGT[1], p.Val1117del (NM_001407684.1, NM_001407854.1, NM_001407858.1 and 30 more transcripts); and 42 more; short protein forms V1005del, V1029del, V1046del, V1069del, V1091del, V1116del, V949del, V1028del.
Identifiers: ClinVar variation 1730472 (VCV001730472.3), dbSNP rs2053603077, ClinGen allele CA983888832.

ClinVar aggregate classification (germline): Uncertain significance (1 of 4 stars; one submission).

Conditions:
Hereditary cancer-predisposing syndrome. Also called: Neoplastic Syndromes, Hereditary; Tumor predisposition; Hereditary Cancer Syndrome; Hereditary neoplastic syndrome. Identifiers: Orphanet 140162, MedGen C0027672, MeSH D009386, MONDO:0015356.

Submission:

Ambry Genetics
Classification: Uncertain significance for Hereditary cancer-predisposing syndrome. Last evaluated: 2025-07-17. Review status: criteria provided, single submitter. Criteria: Ambry Variant Classification Scheme 2023. Collection method: clinical testing. Allele origin: germline.
Comment: The c.3348_3350delAGT variant (also known as p.V1117del) is located in coding exon 9 of the BRCA1 gene. This variant results from an in-frame AGT deletion at nucleotide positions 3348 to 3350. This results in the in-frame deletion of a valine residue at codon 1117. This amino acid position is not well conserved in available vertebrate species. In addition, this alteration is predicted to be deleterious by in silico analysis (Choi Y et al. PLoS ONE. 2012; 7(10):e46688). Based on the available evidence, the clinical significance of this variant remains unclear.